The following is an entry in ClinVar:

ClinVar aggregate classification (germline): Pathogenic (0 of 4 stars; one submission).

Conditions:
Intellectual developmental disorder, X-linked, syndromic, Billuart type. Also called: MENTAL RETARDATION, X-LINKED 60; X-linked intellectual disability-cerebellar hypoplasia syndrome. Identifiers: Orphanet 137831, MedGen C1845366, MONDO:0010337, OMIM 300486.

Submission:

Institute of Science, Banaras Hindu University
Classification: Pathogenic for Intellectual developmental disorder, X-linked, syndromic, Billuart type. Last evaluated: 2021-07-02. Review status: no assertion criteria provided. Collection method: research. Allele origin: germline. Inheritance: X-linked inheritance. Affected: yes. Observed: 1 hemizygote.
Comment: Pathogenic variants in the Oligophrenin 1 gene (OPHN1) cause an X-linked intellectual disability syndrome with a phenotype typically consisting of cerebellar hypoplasia, ventriculomegaly, seizures, facial dysmorphism, speech delay and sometimes behavioral difficulties. A clinical pontocerebellar hypoplasia sequencing plus deletion/duplication analysis panel revealed a partial duplication from exon 7 to exon 15 in OPHN1. PCR-Sanger sequencing of cDNA showed a truncating frameshift in the OPHN1 transcript. Further, transcript level analysis of OPHN1 showed a 75% reduction in the total expression in the patient in comparison to controls. Presumably this leads to a similar reduction in the level of OPHN1 protein resulting in the observed phenotype.

NC_000023.11:g.68119248_68212212dup

Gene: OPHN1 (oligophrenin 1; minus strand). Cytogenetic location: Xq12.
Variant type: Duplication.
Other names: exon 7 to exon 15 duplication.
Identifiers: ClinVar variation 1251919 (VCV001251919.3).